The following is an entry in ClinVar:

NM_006904.7(PRKDC):c.8130C>G (p.Asp2710Glu)

Gene: PRKDC (protein kinase, DNA-activated, catalytic subunit; minus strand). Cytogenetic location: 8q11.21.
Variant type: single nucleotide variant.
Coding change: c.8130C>G on transcript NM_006904.7 (MANE Select); coding-DNA position 8130, C replaced by G.
Protein change: p.Asp2710Glu; replaces aspartic acid 2710 with glutamic acid.
Molecular consequence: missense variant.
Genome position (GRCh38, 1-based): chr8:47,834,218, G>C on the plus strand (C>G on the coding strand, the complement: PRKDC is on the minus strand). VCF-style: chr8-47834218-G-C. GRCh37 (hg19) VCF-style: chr8-48746779-G-C.
Other names: c.8130C>G, p.Asp2710Glu (NM_001081640.2); short protein forms D2710E.
Identifiers: ClinVar variation 1988656 (VCV001988656.2), dbSNP rs370260992, ClinGen allele CA371149094.

ClinVar aggregate classification (germline): Uncertain significance (1 of 4 stars; one submission).

Conditions:
Severe combined immunodeficiency due to DNA-PKcs deficiency. Also called: IMMUNODEFICIENCY 26 WITH NEUROLOGIC ABNORMALITIES; Immunodeficiency 26 with or without neurologic abnormalities. Identifiers: Orphanet 317425, MedGen C4014833, MONDO:0014423, OMIM 615966.

gnomAD v4.1: 3 of 1,613,936 alleles (0.00019%); highest among the groups gnomAD compares: Admixed American, 0.005%; no homozygotes.

Submission:

Labcorp Genetics (formerly Invitae), Labcorp
Classification: Uncertain significance for Severe combined immunodeficiency due to DNA-PKcs deficiency. Last evaluated: 2023-04-14. Review status: criteria provided, single submitter. Criteria: Invitae Variant Classification Sherloc (09022015). Collection method: clinical testing. Allele origin: germline.
Comment: In summary, the available evidence is currently insufficient to determine the role of this variant in disease. Therefore, it has been classified as a Variant of Uncertain Significance. Experimental studies and prediction algorithms are not available or were not evaluated, and the effect of this variant on mRNA splicing is currently unknown. Advanced modeling of protein sequence and biophysical properties (such as structural, functional, and spatial information, amino acid conservation, physicochemical variation, residue mobility, and thermodynamic stability) performed at Invitae indicates that this missense variant is not expected to disrupt PRKDC protein function. ClinVar contains an entry for this variant (Variation ID: 1988656). This variant has not been reported in the literature in individuals affected with PRKDC-related conditions. This variant is present in population databases (no rsID available, gnomAD 0.009%). This sequence change replaces aspartic acid, which is acidic and polar, with glutamic acid, which is acidic and polar, at codon 2710 of the PRKDC protein (p.Asp2710Glu).